The following is an entry in ClinVar:

NM_003476.4(CSRP3):c.-70C>T

Genes: CSRP3-AS1 (CSRP3 and E2F8 antisense RNA 1; plus strand), CSRP3 (cysteine and glycine rich protein 3; minus strand). Cytogenetic location: 11p15.1.
Variant type: single nucleotide variant.
Coding change: c.-70C>T on transcript NM_003476.4; 70 bases upstream of the start codon, C replaced by T.
Genome position (GRCh38, 1-based): chr11:19,201,995, G>A on the plus strand (C>T on the coding strand, the complement: CSRP3 is on the minus strand). VCF-style: chr11-19201995-G-A. GRCh37 (hg19) VCF-style: chr11-19223542-G-A.
Other names: c.-70C>T (NM_003476.3).
Identifiers: ClinVar variation 512017 (VCV000512017.3), dbSNP rs147388951, ClinGen allele CA218638574.

ClinVar aggregate classification (germline): Likely benign (1 of 4 stars; one submission).

Allele frequency attached by ClinVar (database versions not stated): TOPMed 0.00002; 1000 Genomes Project 0.00020; 1000 Genomes Project 30x 0.00016; gnomAD 0.00001.

Submission:

GeneDx
Classification: Likely benign. Last evaluated: 2017-09-12. Review status: criteria provided, single submitter. Criteria: GeneDx Variant Classification (06012015). Collection method: clinical testing. Allele origin: germline. Affected: yes.
Comment: This variant is considered likely benign or benign based on one or more of the following criteria: it is a conservative change, it occurs at a poorly conserved position in the protein, it is predicted to be benign by multiple in silico algorithms, and/or has population frequency not consistent with disease.